The following is an entry in ClinVar:

NM_016169.4(SUFU):c.1060G>A (p.Ala354Thr)

Gene: SUFU (SUFU negative regulator of hedgehog signaling; plus strand). Cytogenetic location: 10q24.32.
Variant type: single nucleotide variant.
Coding change: c.1060G>A on transcript NM_016169.4 (MANE Select); coding-DNA position 1060, G replaced by A.
Protein change: p.Ala354Thr; replaces alanine 354 with threonine.
Molecular consequence: missense variant.
Genome position (GRCh38, 1-based): chr10:102,615,305, G>A. VCF-style: chr10-102615305-G-A. GRCh37 (hg19) VCF-style: chr10-104375062-G-A.
Other names: c.1060G>A, p.Ala354Thr (NM_001178133.2); short protein forms A354T.
Identifiers: ClinVar variation 453950 (VCV000453950.12), dbSNP rs1554854570, ClinGen allele CA377913857.

ClinVar aggregate classification (germline): Uncertain significance. Review status: criteria provided, multiple submitters, no conflicts (2 of 4 stars). 3 submissions from 3 submitters: Uncertain significance (3). Last evaluated 2025-07-29.

Conditions:
Hereditary cancer-predisposing syndrome. Also called: Hereditary Cancer Syndrome; Hereditary neoplastic syndrome; Tumor predisposition; Neoplastic Syndromes, Hereditary. Identifiers: Orphanet 140162, MedGen C0027672, MeSH D009386, MONDO:0015356.
Gorlin syndrome. Also called: Basal cell nevus syndrome; Nevoid Basal Cell Carcinoma Syndrome. Identifiers: Orphanet 377, MedGen C0004779, MONDO:0007187.
Medulloblastoma (MDB). Also called: Medulloblastoma, somatic; MEDULLOBLASTOMA PREDISPOSITION SYNDROME. Identifiers: Orphanet 616, MedGen C0025149, MeSH D008527, MONDO:0007959, OMIM 155255, HP:0002885.

Submissions (3):

Ambry Genetics
Classification: Uncertain significance for Hereditary cancer-predisposing syndrome. Last evaluated: 2025-07-29. Review status: criteria provided, single submitter. Criteria: Ambry Variant Classification Scheme 2023. Collection method: clinical testing. Allele origin: germline.
Comment: The p.A354T variant (also known as c.1060G>A), located in coding exon 9 of the SUFU gene, results from a G to A substitution at nucleotide position 1060. The alanine at codon 354 is replaced by threonine, an amino acid with similar properties. This amino acid position is highly conserved in available vertebrate species. In addition, the in silico prediction for this alteration is inconclusive. Based on the available evidence, the clinical significance of this variant remains unclear.

Labcorp Genetics (formerly Invitae), Labcorp
Classification: Uncertain significance for Gorlin syndrome; Medulloblastoma. Last evaluated: 2024-03-01. Review status: criteria provided, single submitter. Criteria: Invitae Variant Classification Sherloc (09022015). Collection method: clinical testing. Allele origin: germline.
Comment: This sequence change replaces alanine, which is neutral and non-polar, with threonine, which is neutral and polar, at codon 354 of the SUFU protein (p.Ala354Thr). This variant is not present in population databases (gnomAD no frequency). This variant has not been reported in the literature in individuals affected with SUFU-related conditions. ClinVar contains an entry for this variant (Variation ID: 453950). Advanced modeling of protein sequence and biophysical properties (such as structural, functional, and spatial information, amino acid conservation, physicochemical variation, residue mobility, and thermodynamic stability) performed at Invitae indicates that this missense variant is not expected to disrupt SUFU protein function with a negative predictive value of 80%. In summary, the available evidence is currently insufficient to determine the role of this variant in disease. Therefore, it has been classified as a Variant of Uncertain Significance.

GeneDx
Classification: Uncertain significance. Last evaluated: 2022-03-11. Review status: criteria provided, single submitter. Criteria: GeneDx Variant Classification Process June 2021. Collection method: clinical testing. Allele origin: germline. Affected: yes.
Comment: Not observed at significant frequency in large population cohorts (gnomAD); In silico analysis supports that this missense variant does not alter protein structure/function; Has not been previously published as pathogenic or benign to our knowledge; This variant is associated with the following publications: (PMID: 24311597)